The following is an entry in ClinVar:

ClinVar aggregate classification (germline): Uncertain significance (1 of 4 stars; one submission).

Conditions:
Ataxia-telangiectasia syndrome (AT). Also called: Ataxia-telangiectasia, complementation group D; AT, COMPLEMENTATION GROUP C; Ataxia-telangiectasia; Ataxia telangiectasia (A-T); LOUIS-BAR SYNDROME; Cerebello-oculocutaneous telangiectasia. Identifiers: Orphanet 100, MedGen C0004135, MONDO:0008840, OMIM 208900.

Submission:

Labcorp Genetics (formerly Invitae), Labcorp
Classification: Uncertain significance for Ataxia-telangiectasia syndrome. Last evaluated: 2025-07-02. Review status: criteria provided, single submitter. Criteria: Invitae Variant Classification Sherloc (09022015). Collection method: clinical testing. Allele origin: germline.
Comment: This sequence change replaces aspartic acid, which is acidic and polar, with histidine, which is basic and polar, at codon 841 of the ATM protein (p.Asp841His). This variant is not present in population databases (gnomAD no frequency). This variant has not been reported in the literature in individuals affected with ATM-related conditions. Invitae Evidence Modeling of protein sequence and biophysical properties (such as structural, functional, and spatial information, amino acid conservation, physicochemical variation, residue mobility, and thermodynamic stability) indicates that this missense variant is not expected to disrupt ATM protein function with a negative predictive value of 95%. In summary, the available evidence is currently insufficient to determine the role of this variant in disease. Therefore, it has been classified as a Variant of Uncertain Significance.

NM_000051.4(ATM):c.2521G>C (p.Asp841His)

Gene: ATM (ATM serine/threonine kinase; plus strand). Cytogenetic location: 11q22.3.
Variant type: single nucleotide variant.
Coding change: c.2521G>C on transcript NM_000051.4 (MANE Select); coding-DNA position 2521, G replaced by C.
Protein change: p.Asp841His; replaces aspartic acid 841 with histidine.
Molecular consequence: missense variant.
Genome position (GRCh38, 1-based): chr11:108,267,225, G>C. VCF-style: chr11-108267225-G-C. GRCh37 (hg19) VCF-style: chr11-108137952-G-C.
Other names: c.2521G>C, p.Asp841His (NM_001351834.2); short protein forms D841H.
Identifiers: ClinVar variation 4747186 (VCV004747186.1).
Genomic context (GRCh38, chr11:108,267,225, plus strand): 5'-TTGAAGGCATCCTTCATCAAAAAGCCATTTGACCGTGGAGAAGTAGAATCAATGGAAGAT[G>C]ATACTAATGGAAATCTAATGGAGGTGGAGGATCAGTCATCCATGAATCTATTTAACGATT-3'
Protein context (NP_000042.3, residues 831-851): DRGEVESMED[Asp841His]TNGNLMEVED